The following is an entry in ClinVar:

ClinVar aggregate classification (germline): Conflicting classifications of pathogenicity. Review status: criteria provided, conflicting classifications (1 of 4 stars). 6 submissions from 6 submitters: Likely pathogenic (1); Uncertain significance (5). Last evaluated 2025-07-01.

Conditions:
Mitochondrial complex I deficiency. Also called: NADH:Q(1) OXIDOREDUCTASE DEFICIENCY. Identifiers: Orphanet 2609, MedGen C1838979, MeSH C537475, MONDO:0100133.
Inborn genetic diseases. Identifiers: MedGen C0950123, MeSH D030342.

Allele frequency attached by ClinVar (database versions not stated): gnomAD 0.00011; TOPMed 0.00015; 1000 Genomes Project 30x 0.00016; 1000 Genomes Project 0.00020; ESP Exome Variant Server 0.00023; ExAC 0.00031; gnomAD exomes 0.00035 and 0.00036.
gnomAD v4.1: 551 of 1,614,168 alleles (0.034%); highest among the groups gnomAD compares: Admixed American, 0.11%; 2 homozygotes.

Submissions (6):

GeneDx
Classification: Uncertain significance. Last evaluated: 2025-07-01. Review status: criteria provided, single submitter. Criteria: GeneDx Variant Classification Process June 2021. Collection method: clinical testing. Allele origin: germline. Affected: yes.
Comment: In silico analysis supports that this missense variant has a deleterious effect on protein structure/function; This variant is associated with the following publications: (PMID: 20818383, 24215330, 27126960, 27502960, 30055843, 36074903, 37255483, 36905963, 24642831, 20819849, 27604308)

Labcorp Genetics (formerly Invitae), Labcorp
Classification: Uncertain significance. Last evaluated: 2024-09-14. Review status: criteria provided, single submitter. Criteria: Invitae Variant Classification Sherloc (09022015). Collection method: clinical testing. Allele origin: germline.
Comment: This sequence change replaces methionine, which is neutral and non-polar, with threonine, which is neutral and polar, at codon 292 of the NDUFS2 protein (p.Met292Thr). This variant is present in population databases (rs150667550, gnomAD 0.1%), including at least one homozygous and/or hemizygous individual. This missense change has been observed in individuals with NDUFS2-related conditions (PMID: 20819849). ClinVar contains an entry for this variant (Variation ID: 214793). Invitae Evidence Modeling of protein sequence and biophysical properties (such as structural, functional, and spatial information, amino acid conservation, physicochemical variation, residue mobility, and thermodynamic stability) indicates that this missense variant is not expected to disrupt NDUFS2 protein function with a negative predictive value of 80%. In summary, the available evidence is currently insufficient to determine the role of this variant in disease. Therefore, it has been classified as a Variant of Uncertain Significance.

Blueprint Genetics
Classification: Uncertain significance. Last evaluated: 2023-07-25. Review status: criteria provided, single submitter. Criteria: ACMG Guidelines, 2015. Collection method: clinical testing. Allele origin: germline.

Women's Health and Genetics/Laboratory Corporation of America, LabCorp
Classification: Uncertain significance. Last evaluated: 2022-06-24. Review status: criteria provided, single submitter. Criteria: LabCorp Variant Classification Summary - May 2015. Collection method: clinical testing. Allele origin: germline.
Comment: Variant summary: NDUFS2 c.875T>C (p.Met292Thr) results in a non-conservative amino acid change located in the NADH-quinone oxidoreductase, subunit D domain (IPR001135) of the encoded protein sequence. Four of five in-silico tools predict a damaging effect of the variant on protein function. The variant allele was found at a frequency of 0.00035 in 251432 control chromosomes in the gnomAD database, including 2 homozygotes. This frequency is not significantly higher than expected for a pathogenic variant in NDUFS2 causing Mitochondrial Complex I Deficiency, Nuclear Type 6 (0.00035 vs 0.0011), allowing no conclusion about variant significance. c.875T>C has been reported in the literature in multiple compound heterozygous individuals affected with Mitochondrial Complex I Deficiency and leigh syndrome (examples: Calvo_2010, Tuppen_2010, DaRe_2013, Ehinger_2016, and Reid_2016). However in many of these cases pathogenicity of the second variant was unclear. These reports do not provide unequivocal conclusions about association of the variant with Mitochondrial Complex I Deficiency, Nuclear Type 6. To our knowledge, no experimental evidence demonstrating an impact on protein function has been reported. Three clinical diagnostic laboratories have submitted clinical-significance assessments for this variant to ClinVar after 2014 and classified the variant as VUS (n=2) and likely pathogenic (n=1). Based on the evidence outlined above, the variant was classified as uncertain significance.

Ambry Genetics
Classification: Uncertain significance for Inborn genetic diseases. Last evaluated: 2021-01-27. Review status: criteria provided, single submitter. Criteria: Ambry Variant Classification Scheme 2023. Collection method: clinical testing. Allele origin: germline.
Comment: The c.875T>C (p.M292T) alteration is located in exon 10 (coding exon 9) of the NDUFS2 gene. This alteration results from a T to C substitution at nucleotide position 875, causing the methionine (M) at amino acid position 292 to be replaced by a threonine (T). The p.M292T alteration is predicted to be deleterious by in silico analysis. Based on insufficient or conflicting evidence, the clinical significance of this alteration remains unclear.

Illumina Laboratory Services, Illumina
Classification: Likely pathogenic for Mitochondrial complex I deficiency. Last evaluated: 2018-11-26. Review status: criteria provided, single submitter. Criteria: ICSL Variant Classification Criteria 09 May 2019. Collection method: clinical testing. Allele origin: germline.
Comment: The NDUFS2 c.875T>C (p.Met292Thr) missense variant has been reported in at least two studies in which it is found in a compound heterozygous state in a total of five individuals with mitochondrial complex I deficiency (Tuppen et al. 2010; DaRe et al. 2013). Control data are unavailable for this variant, which is reported at a frequency of 0.004013 in the Other population of the Genome Aggregation Database. Complex I activity assays and protein expression levels were performed on cultured skin fibroblasts from three probands with decreased complex I activity and reduced NDUFA9 and NDUFA8 protein levels found in fibroblasts from two of the probands and complex I activity comparable to controls and significantly increased expression of NDUFA9 and NDUFB8 in the third, which was attributed to a compensatory cellular response to the variant NDUFS2 (Tuppen et al. 2010). Based on the evidence, the p.Met292Thr variant is classified as likely pathogenic for mitochondrial respiratory chain complex I deficiency. This variant was observed by ICSL as part of a predisposition screen in an ostensibly healthy population.

Literature cited by the submitters: PubMed 20819849 (cited by 4 submitters); PubMed 20818383 (cited by Women's Health and Genetics/Laboratory Corporation of America, LabCorp and Ambry Genetics); PubMed 24215330 (cited by 3 submitters); PubMed 27502960 (cited by Women's Health and Genetics/Laboratory Corporation of America, LabCorp); PubMed 24642831 (cited by Women's Health and Genetics/Laboratory Corporation of America, LabCorp); PubMed 27604308 (cited by Women's Health and Genetics/Laboratory Corporation of America, LabCorp).

NM_001377299.1(NDUFS2):c.875T>C (p.Met292Thr)

Gene: NDUFS2 (NADH:ubiquinone oxidoreductase core subunit S2; plus strand). Cytogenetic location: 1q23.3.
Variant type: single nucleotide variant.
Coding change: c.875T>C on transcript NM_001377299.1 (MANE Select); coding-DNA position 875, T replaced by C.
Protein change: p.Met292Thr; replaces methionine 292 with threonine.
Molecular consequence: missense variant. On other transcripts: non-coding transcript variant (1).
Genome position (GRCh38, 1-based): chr1:161,210,599, T>C. VCF-style: chr1-161210599-T-C. GRCh37 (hg19) VCF-style: chr1-161180389-T-C.
Other names: p.M292T:ATG>ACG; c.875T>C, p.Met292Thr (NM_001166159.2, NM_001377298.1, NM_001377300.1 and 3 more transcripts); short protein forms M292T.
Identifiers: ClinVar variation 214793 (VCV000214793.17), dbSNP rs150667550, ClinGen allele CA323513.